The following is an entry in ClinVar:

ClinVar aggregate classification (germline): Uncertain significance. Review status: criteria provided, multiple submitters, no conflicts (2 of 4 stars). 2 submissions from 2 submitters: Uncertain significance (2). Last evaluated 2025-07-31.

Conditions:
Familial hypocalciuric hypercalcemia (FHH). Also called: Familial benign hypercalcemia. Identifiers: Orphanet 405, MedGen C1809471, MONDO:0018458.
Autosomal dominant hypocalcemia 1 (HYPOC1). Also called: HYPOCALCEMIA, FAMILIAL. Identifiers: MedGen C3715128, MONDO:0011013, OMIM 601198.
Nephrolithiasis/nephrocalcinosis. Identifiers: MedGen CN580796.

Submissions (2):

Labcorp Genetics (formerly Invitae), Labcorp
Classification: Uncertain significance for Familial hypocalciuric hypercalcemia; Autosomal dominant hypocalcemia 1. Last evaluated: 2025-07-31. Review status: criteria provided, single submitter. Criteria: Invitae Variant Classification Sherloc (09022015). Collection method: clinical testing. Allele origin: germline.
Comment: This sequence change replaces threonine, which is neutral and polar, with isoleucine, which is neutral and non-polar, at codon 909 of the CASR protein (p.Thr909Ile). This variant is not present in population databases (gnomAD no frequency). This variant has not been reported in the literature in individuals affected with CASR-related conditions. ClinVar contains an entry for this variant (Variation ID: 1795241). An algorithm developed to predict the effect of missense changes on protein structure and function outputs the following: PolyPhen-2: "Benign". The isoleucine amino acid residue is found in multiple mammalian species, which suggests that this missense change does not adversely affect protein function. In summary, the available evidence is currently insufficient to determine the role of this variant in disease. Therefore, it has been classified as a Variant of Uncertain Significance.

Ambry Genetics
Classification: Uncertain significance for Nephrolithiasis/nephrocalcinosis. Last evaluated: 2022-04-20. Review status: criteria provided, single submitter. Criteria: Ambry Variant Classification Scheme 2023. Collection method: clinical testing. Allele origin: germline.
Comment: The p.T909I variant (also known as c.2726C>T), located in coding exon 6 of the CASR gene, results from a C to T substitution at nucleotide position 2726. The threonine at codon 909 is replaced by isoleucine, an amino acid with similar properties. This amino acid position is conserved. In addition, this alteration is predicted to be tolerated by in silico analysis. Since supporting evidence is limited at this time, the clinical significance of this alteration remains unclear.

NM_000388.4(CASR):c.2726C>T (p.Thr909Ile)

Gene: CASR (calcium sensing receptor; plus strand). Cytogenetic location: 3q21.1.
Variant type: single nucleotide variant.
Coding change: c.2726C>T on transcript NM_000388.4 (MANE Select); coding-DNA position 2726, C replaced by T.
Protein change: p.Thr909Ile; replaces threonine 909 with isoleucine.
Molecular consequence: missense variant.
Genome position (GRCh38, 1-based): chr3:122,284,680, C>T. VCF-style: chr3-122284680-C-T. GRCh37 (hg19) VCF-style: chr3-122003527-C-T.
Other names: c.2756C>T, p.Thr919Ile (NM_001178065.2); short protein forms T919I, T909I.
Identifiers: ClinVar variation 1795241 (VCV001795241.5), dbSNP rs201067523, ClinGen allele CA354160633.